The following is an entry in ClinVar:

ClinVar aggregate classification (germline): Benign/Likely benign. Review status: criteria provided, multiple submitters, no conflicts (2 of 4 stars). 7 submissions from 7 submitters: Benign (1); Likely benign (4). 2 of the submissions do not count toward it. Last evaluated 2026-01-25.

Conditions:
Hypertrophic cardiomyopathy 14. Identifiers: MedGen C2750467, MONDO:0013197, OMIM 613251.
Dilated cardiomyopathy 1EE (CMD1EE). Identifiers: Orphanet 154, MedGen C2750466, MONDO:0013198, OMIM 613252.
Atrial septal defect 3 (ASD3). Identifiers: Orphanet 1478, MedGen C3279790, MONDO:0013567, OMIM 614089.
Hypertrophic cardiomyopathy 1 (CMH1). Also called: Familial hypertrophic cardiomyopathy 1; MYH7-Related Familial Hypertrophic Cardiomyopathy. Identifiers: MedGen C3495498, MONDO:0008647, OMIM 192600.
Sick sinus syndrome 3, susceptibility to (SSS3). Identifiers: Orphanet 166282, MedGen C3279791, MONDO:0013568, OMIM 614090.

Allele frequency attached by ClinVar (database versions not stated): gnomAD 0.00015 and 0.00014; TOPMed 0.00018; ESP Exome Variant Server 0.00023; ExAC 0.00013.
gnomAD v4.1: 319 of 1,613,310 alleles (0.02%); highest among the groups gnomAD compares: Non-Finnish European, 0.026%; no homozygotes.

Submissions (7):

Labcorp Genetics (formerly Invitae), Labcorp
Classification: Likely benign for Hypertrophic cardiomyopathy 14. Last evaluated: 2026-01-25. Review status: criteria provided, single submitter. Criteria: Invitae Variant Classification Sherloc (09022015). Collection method: clinical testing. Allele origin: germline.

Women's Health and Genetics/Laboratory Corporation of America, LabCorp
Classification: Benign. Last evaluated: 2024-11-15. Review status: criteria provided, single submitter. Criteria: LabCorp Variant Classification Summary - May 2015. Collection method: clinical testing. Allele origin: germline.

Blueprint Genetics
Classification: Likely benign. Last evaluated: 2024-11-11. Review status: criteria provided, single submitter. Criteria: ACMG Guidelines, 2015. Collection method: clinical testing. Allele origin: germline.

Fulgent Genetics
Classification: Likely benign for Hypertrophic cardiomyopathy 1; Hypertrophic cardiomyopathy 14; Dilated cardiomyopathy 1EE; Atrial septal defect 3; Sick sinus syndrome 3, susceptibility to. Last evaluated: 2022-02-23. Review status: criteria provided, single submitter. Criteria: ACMG Guidelines, 2015. Collection method: clinical testing. Allele origin: unknown.

GeneDx
Classification: Likely benign. Last evaluated: 2017-06-27. Review status: criteria provided, single submitter. Criteria: GeneDx Variant Classification (06012015). Collection method: clinical testing. Allele origin: germline. Affected: yes.
Comment: This variant is considered likely benign or benign based on one or more of the following criteria: it is a conservative change, it occurs at a poorly conserved position in the protein, it is predicted to be benign by multiple in silico algorithms, and/or has population frequency not consistent with disease.

Clinical Genetics DNA and cytogenetics Diagnostics Lab, Erasmus MC, Erasmus Medical Center
Classification: Likely benign. Review status: no assertion criteria provided. Collection method: clinical testing. Allele origin: germline. Affected: yes. Study: VKGL Data-share Consensus. Not counted in ClinVar's aggregate classification.

Genome Diagnostics Laboratory, University Medical Center Utrecht
Classification: Likely benign. Review status: no assertion criteria provided. Collection method: clinical testing. Allele origin: germline. Affected: yes. Study: VKGL Data-share Consensus. Not counted in ClinVar's aggregate classification.

NM_002471.4(MYH6):c.3732+13C>T

Gene: MYH6 (myosin heavy chain 6; minus strand). Cytogenetic location: 14q11.2.
Variant type: single nucleotide variant.
Coding change: c.3732+13C>T on transcript NM_002471.4 (MANE Select); 13 bases into the intron after coding-DNA position 3732, C replaced by T.
Molecular consequence: intron variant.
Genome position (GRCh38, 1-based): chr14:23,390,044, G>A on the plus strand (C>T on the coding strand, the complement: MYH6 is on the minus strand). VCF-style: chr14-23390044-G-A. GRCh37 (hg19) VCF-style: chr14-23859253-G-A.
Identifiers: ClinVar variation 391412 (VCV000391412.13), dbSNP rs369889994, ClinGen allele CA7115099.